The following is an entry in ClinVar:

NM_001756.4(SERPINA6):c.936C>T (p.Leu312=)

Gene: SERPINA6 (serpin family A member 6; minus strand). Cytogenetic location: 14q32.13.
Variant type: single nucleotide variant.
Coding change: c.936C>T on transcript NM_001756.4 (MANE Select); coding-DNA position 936, C replaced by T.
Protein change: p.Leu312=; no amino-acid change (leucine 312 retained).
Molecular consequence: synonymous variant.
Genome position (GRCh38, 1-based): chr14:94,306,167, G>A on the plus strand (C>T on the coding strand, the complement: SERPINA6 is on the minus strand). VCF-style: chr14-94306167-G-A. GRCh37 (hg19) VCF-style: chr14-94772504-G-A.
Identifiers: ClinVar variation 3060392 (VCV003060392.2), dbSNP rs1042394, ClinGen allele CA7326982.

ClinVar aggregate classification (germline): Benign (0 of 4 stars; one submission).

Conditions:
SERPINA6-related disorder. Also called: SERPINA6-related condition.

Allele frequency attached by ClinVar (database versions not stated): 1000 Genomes Project 30x 0.16240; 1000 Genomes Project 0.16274; TOPMed 0.22025; ESP Exome Variant Server 0.24035.

Submission:

PreventionGenetics, part of Exact Sciences
Classification: Benign for SERPINA6-related condition. Last evaluated: 2019-11-12. Review status: no assertion criteria provided. Collection method: clinical testing. Allele origin: germline.
Comment: This variant is classified as benign based on ACMG/AMP sequence variant interpretation guidelines (Richards et al. 2015 PMID: 25741868, with internal and published modifications).